The following is an entry in ClinVar:

NM_017742.6(ZCCHC2):c.1839T>C (p.Thr613=)

Gene: ZCCHC2 (zinc finger CCHC-type containing 2; plus strand). Cytogenetic location: 18q21.33.
Variant type: single nucleotide variant.
Coding change: c.1839T>C on transcript NM_017742.6 (MANE Select); coding-DNA position 1839, T replaced by C.
Protein change: p.Thr613=; no amino-acid change (threonine 613 retained).
Molecular consequence: synonymous variant. On other transcripts: non-coding transcript variant (1).
Genome position (GRCh38, 1-based): chr18:62,565,089, T>C. VCF-style: chr18-62565089-T-C. GRCh37 (hg19) VCF-style: chr18-60232322-T-C.
Other names: c.768T>C, p.Thr256= (NM_032724.2).
Identifiers: ClinVar variation 2648781 (VCV002648781.24), dbSNP rs2511708222, ClinGen allele CA504081143.

ClinVar aggregate classification (germline): Likely benign (1 of 4 stars; one submission).

Allele frequency attached by ClinVar (database versions not stated): gnomAD exomes below 0.00001.

Submission:

CeGaT Center for Human Genetics Tuebingen
Classification: Likely benign. Last evaluated: 2022-06-01. Review status: criteria provided, single submitter. Criteria: CeGaT Center For Human Genetics Tuebingen Variant Classification Criteria Version 2. Collection method: clinical testing. Allele origin: germline. Affected: yes. Observed: 1 variant allele.
Comment: ZCCHC2: PM2:Supporting, BP4, BP7